The following is an entry in ClinVar:

ClinVar aggregate classification (germline): Pathogenic (1 of 4 stars; one submission).

Conditions:
Meckel-Gruber syndrome. Also called: GRUBER SYNDROME; DYSENCEPHALIA SPLANCHNOCYSTICA; Dysencephalia splachnocystica. Identifiers: Orphanet 564, MedGen C0265215, MONDO:0018921.
Joubert syndrome. Also called: Familial aplasia of the vermis; JOUBERT-BOLTSHAUSER SYNDROME; CEREBELLOPARENCHYMAL DISORDER IV. Identifiers: Orphanet 475, MedGen C5979921, MONDO:0018772.

Submission:

Labcorp Genetics (formerly Invitae), Labcorp
Classification: Pathogenic for Joubert syndrome; Meckel-Gruber syndrome. Last evaluated: 2025-10-19. Review status: criteria provided, single submitter. Criteria: Invitae Variant Classification Sherloc (09022015). Collection method: clinical testing. Allele origin: germline.
Comment: This sequence change creates a premature translational stop signal (p.Ala248Leufs*7) in the TMEM67 gene. It is expected to result in an absent or disrupted protein product. Loss-of-function variants in TMEM67 are known to be pathogenic (PMID: 20232449, 23559409). This variant is not present in population databases (gnomAD no frequency). This variant has not been reported in the literature in individuals affected with TMEM67-related conditions. For these reasons, this variant has been classified as Pathogenic.

Literature cited by the submitters: PubMed 20232449; PubMed 23559409.

NM_153704.6(TMEM67):c.742del (p.Ala248fs)

Gene: TMEM67 (transmembrane protein 67; plus strand). Cytogenetic location: 8q22.1.
Variant type: Deletion.
Coding change: c.742del on transcript NM_153704.6 (MANE Select); coding-DNA position 742, one base deleted (G; older notation c.742delG).
Protein change: p.Ala248fs; shifts the reading frame from alanine 248.
Molecular consequence: frameshift variant. On other transcripts: non-coding transcript variant (1).
Genome position (GRCh38, 1-based): chr8:93,780,620, G deleted. VCF-style (leftmost placement, unchanged base first): chr8-93780619-AG-A. GRCh37 (hg19) VCF-style: chr8-94792847-AG-A.
Other names: c.499del, p.Ala167fs (NM_001142301.1); short protein forms A167fs, A248fs.
Identifiers: ClinVar variation 4786389 (VCV004786389.1).